The following is an entry in ClinVar:

NM_001035.3(RYR2):c.907G>A (p.Gly303Arg)

Gene: RYR2 (ryanodine receptor 2; plus strand). Cytogenetic location: 1q43.
Variant type: single nucleotide variant.
Coding change: c.907G>A on transcript NM_001035.3 (MANE Select); coding-DNA position 907, G replaced by A.
Protein change: p.Gly303Arg; replaces glycine 303 with arginine.
Molecular consequence: missense variant.
Genome position (GRCh38, 1-based): chr1:237,423,150, G>A. VCF-style: chr1-237423150-G-A. GRCh37 (hg19) VCF-style: chr1-237586450-G-A.
Other names: short protein forms G303R.
Identifiers: ClinVar variation 942753 (VCV000942753.2), dbSNP rs1705766226, ClinGen allele CA345385305.

ClinVar aggregate classification (germline): Uncertain significance (1 of 4 stars; one submission).

Conditions:
Catecholaminergic polymorphic ventricular tachycardia (CVPT). Also called: Catecholamine-induced polymorphic ventricular tachycardia. Identifiers: Orphanet 3286, MedGen C5574922, MONDO:0017990.

Submission:

Labcorp Genetics (formerly Invitae), Labcorp
Classification: Uncertain significance for Catecholaminergic polymorphic ventricular tachycardia. Last evaluated: 2019-05-31. Review status: criteria provided, single submitter. Criteria: Invitae Variant Classification Sherloc (09022015). Collection method: clinical testing. Allele origin: germline.
Comment: This sequence change replaces glycine with arginine at codon 303 of the RYR2 protein (p.Gly303Arg). The glycine residue is highly conserved and there is a moderate physicochemical difference between glycine and arginine. This variant is not present in population databases (ExAC no frequency). This variant has not been reported in the literature in individuals with RYR2-related conditions. Algorithms developed to predict the effect of missense changes on protein structure and function are either unavailable or do not agree on the potential impact of this missense change (SIFT: "Deleterious"; PolyPhen-2: "Probably Damaging"; Align-GVGD: "Class C15"). In summary, the available evidence is currently insufficient to determine the role of this variant in disease. Therefore, it has been classified as a Variant of Uncertain Significance.